The following is an entry in ClinVar:

ClinVar aggregate classification (germline): Pathogenic (1 of 4 stars; one submission).

Conditions:
Alpha thalassemia-X-linked intellectual disability syndrome (ATRX). Also called: ALPHA-THALASSEMIA/MENTAL RETARDATION SYNDROME, X-LINKED; ATR, NONDELETION TYPE; ATR-X syndrome; Alpha thalassemia mental retardation syndrome, nondeletion type, X-linked; XLMR hypotonic face syndrome; X-linked alpha-thalassemia-mental retardation syndrome. Identifiers: Orphanet 847, MedGen C1845055, MONDO:0010519, OMIM 301040.

Submission:

Women's Health and Genetics/Laboratory Corporation of America, LabCorp
Classification: Pathogenic for Alpha thalassemia-X-linked intellectual disability syndrome. Last evaluated: 2024-12-02. Review status: criteria provided, single submitter. Criteria: LabCorp Variant Classification Summary - May 2015. Collection method: clinical testing. Allele origin: germline.
Comment: Variant summary: ATRX c.1933dupT (p.Ser645PhefsX8) results in a premature termination codon, predicted to cause absence of the protein due to nonsense mediated decay, which is a commonly known mechanism for disease. The variant was absent in 182745 control chromosomes (gnomAD). To our knowledge, no occurrence of c.1933dupT in individuals affected with ATR-X Syndrome and no experimental evidence demonstrating its impact on protein function have been reported. No submitters have cited clinical-significance assessments for this variant to ClinVar. Based on the evidence outlined above, the variant was classified as pathogenic.

NM_000489.6(ATRX):c.1933dup (p.Ser645fs)

Gene: ATRX (ATRX chromatin remodeler; minus strand). Cytogenetic location: Xq21.1.
Variant type: Duplication.
Coding change: c.1933dup on transcript NM_000489.6 (MANE Select); coding-DNA position 1933, one base duplicated (T; older notation c.1933dupT).
Protein change: p.Ser645fs; shifts the reading frame from serine 645.
Molecular consequence: frameshift variant.
Genome position (GRCh38, 1-based): chrX:77,683,323, A duplicated on the plus strand (T on the coding strand, the reverse complement: ATRX is on the minus strand); the first of 3 consecutive A bases (chrX:77,683,323-77,683,325); duplicating any one gives the same sequence. VCF-style (leftmost placement, unchanged base first): chrX-77683322-G-GA. GRCh37 (hg19) VCF-style: chrX-76938814-G-GA.
Other names: c.1819dup, p.Ser607fs (NM_138270.5); c.1933dupT (NM_000489.6); short protein forms S607fs, S645fs.
Identifiers: ClinVar variation 3768380 (VCV003768380.1).